The following is an entry in ClinVar:

ClinVar aggregate classification (germline): Likely pathogenic (3 of 4 stars; one submission).

Conditions:
Glanzmann thrombasthenia. Also called: BLEEDING DISORDER, PLATELET-TYPE, 2; THROMBASTHENIA OF GLANZMANN AND NAEGELI; PLATELET GLYCOPROTEIN IIb-IIIa DEFICIENCY; Thrombasthenia; Glanzmann's thrombasthenia. Identifiers: Orphanet 849, MedGen C0040015, MONDO:0100326.

Submission:

ClinGen Platelet Disorders Variant Curation Expert Panel, ClinGen
Classification: Likely pathogenic for Glanzmann thrombasthenia. Last evaluated: 2024-08-20. Review status: reviewed by expert panel. Criteria: ClinGen Platelet ACMG Specifications v2-1. Collection method: curation. Allele origin: germline. Inheritance: Autosomal recessive inheritance.
Comment: The ITGA2B missense variant NM_000419.5:c.416C>T replaces the alanine residue with a valine residue (p.Ala139Val). This variant is absent from population databases including gnomADv4.1.0 (PM2_supporting), but has been observed in homozygosity in two individuals suspected to have Glanzmann's thrombasthenia (GT) (Patient PF in PMID: 12083483; GT22 in PMID: 16463284) (PM3). At least one of these individuals (Patient PF in PMID: 12083483) has a phenotype specific for GT (PP4_strong); bleeding phenotype strongly indicative of Glanzmann's thrombasthenia; impaired aggregation to at least two agonists, but normal or only mildly reduced agglutination with ristocetin; <10% expression of GPIIb/IIIa; direct sequencing of all coding regions and intron/exon boundaries of ITGA2B and ITGB3. The variant is predicted by in silico tools to be damaging to protein function (REVEL score 0.794; PP3). In summary, this variant meets criteria to be classified as likely pathogenic for GT. GT-specific criteria applied: PM2_supporting, PM3, PP3, PP4_strong.

NM_000419.5(ITGA2B):c.416C>T (p.Ala139Val)

Gene: ITGA2B (integrin subunit alpha 2b; minus strand). Cytogenetic location: 17q21.31.
Variant type: single nucleotide variant.
Coding change: c.416C>T on transcript NM_000419.5 (MANE Select); coding-DNA position 416, C replaced by T.
Protein change: p.Ala139Val; replaces alanine 139 with valine.
Molecular consequence: missense variant.
Genome position (GRCh38, 1-based): chr17:44,385,709, G>A on the plus strand (C>T on the coding strand, the complement: ITGA2B is on the minus strand). VCF-style: chr17-44385709-G-A. GRCh37 (hg19) VCF-style: chr17-42463077-G-A.
Other names: short protein forms A139V.
Identifiers: ClinVar variation 1210192 (VCV001210192.2), dbSNP rs2143489510, ClinGen allele CA399806036.
Genomic context (GRCh38, chr17:44,385,709, plus strand): 5'-CCTACGGGCGTCTTCTCAGCCTCCTCAGTCTTTTCTAGGACGTTCCAGTGCTGCCAGGGG[G>A]CGCAGGCCTGGAGAAAGGCCACAGGAGTGGGGACGGGCGCGAGACTTGGGCTCCTCCTGG-3'
Protein context (NP_000410.2, residues 129-149): VSWSDVIVAC[Ala139Val]PWQHWNVLEK